The following is an entry in ClinVar:

ClinVar aggregate classification (germline): Pathogenic (1 of 4 stars; one submission).

Conditions:
Multiple congenital anomalies-hypotonia-seizures syndrome 1 (MCAHS1). Also called: PIGN-CDG; Congenital disorder of glycosylation due to PIGN deficiency; GLYCOSYLPHOSPHATIDYLINOSITOL BIOSYNTHESIS DEFECT 3. Identifiers: Orphanet 280633, MedGen C3279775, MONDO:0013563, OMIM 614080.

Allele frequency attached by ClinVar (database versions not stated): gnomAD exomes below 0.00001; gnomAD 0.00001; ExAC 0.00002; 1000 Genomes Project 30x 0.00016; 1000 Genomes Project 0.00020.
gnomAD v4.1: 2 of 1,585,122 alleles (0.00013%); highest among the groups gnomAD compares: Non-Finnish European, 0.00017%; no homozygotes.

Submission:

Labcorp Genetics (formerly Invitae), Labcorp
Classification: Pathogenic for Multiple congenital anomalies-hypotonia-seizures syndrome 1. Last evaluated: 2023-12-01. Review status: criteria provided, single submitter. Criteria: Invitae Variant Classification Sherloc (09022015). Collection method: clinical testing. Allele origin: germline.
Comment: This sequence change creates a premature translational stop signal (p.Arg641*) in the PIGN gene. It is expected to result in an absent or disrupted protein product. Loss-of-function variants in PIGN are known to be pathogenic (PMID: 24253414, 27038415). The frequency data for this variant in the population databases is considered unreliable, as metrics indicate poor data quality at this position in the gnomAD database. This variant has not been reported in the literature in individuals affected with PIGN-related conditions. Algorithms developed to predict the effect of sequence changes on RNA splicing suggest that this variant may disrupt the consensus splice site. For these reasons, this variant has been classified as Pathogenic.

Literature cited by the submitters: PubMed 24253414; PubMed 27038415.

NM_176787.5(PIGN):c.1921A>T (p.Arg641Ter)

Gene: PIGN (phosphatidylinositol glycan anchor biosynthesis class N; minus strand). Cytogenetic location: 18q21.33.
Variant type: single nucleotide variant.
Coding change: c.1921A>T on transcript NM_176787.5 (MANE Select); coding-DNA position 1921, A replaced by T.
Protein change: p.Arg641Ter; replaces arginine 641 with a stop codon.
Molecular consequence: nonsense.
Genome position (GRCh38, 1-based): chr18:62,102,841, T>A on the plus strand (A>T on the coding strand, the complement: PIGN is on the minus strand). VCF-style: chr18-62102841-T-A. GRCh37 (hg19) VCF-style: chr18-59770074-T-A.
Other names: c.1921A>T, p.Arg641Ter (NM_012327.6); short protein forms R641*.
Identifiers: ClinVar variation 2969362 (VCV002969362.3), dbSNP rs148925938, ClinGen allele CA8982142.
Genomic context (GRCh38, chr18:62,102,841, plus strand): 5'-ATCTGTAACTGACCTGTAACAGATGTACCAATAGCTCTTCCTTTATAAAGCTATCTTTTC[T>A]TTTCATGAGAGATGTTACAACACACAGGGATAACAGAAGAACCAGCAAGCCTGCACCCAT-3'